The following is an entry in ClinVar:

ClinVar aggregate classification (germline): Likely benign. Review status: criteria provided, multiple submitters, no conflicts (2 of 4 stars). 2 submissions from 2 submitters: Likely benign (2). Last evaluated 2026-06-01.

Conditions:
Cardiovascular phenotype. Identifiers: MedGen CN230736.

gnomAD v4.1: 2 of 1,614,160 alleles (0.00012%); highest among the groups gnomAD compares: South Asian, 0.0011%; no homozygotes.

Submissions (2):

CeGaT Center for Human Genetics Tuebingen
Classification: Likely benign. Last evaluated: 2026-06-01. Review status: criteria provided, single submitter. Criteria: CeGaT Center For Human Genetics Tuebingen Variant Classification Criteria Version 2. Collection method: clinical testing. Allele origin: germline. Affected: yes. Observed: 1 variant allele.
Comment: APOB: BP4, BP7

Ambry Genetics
Classification: Likely benign for Cardiovascular phenotype. Last evaluated: 2026-02-22. Review status: criteria provided, single submitter. Criteria: Ambry Variant Classification Scheme 2023. Collection method: clinical testing. Allele origin: germline.

NM_000384.3(APOB):c.501C>T (p.Pro167=)

Gene: APOB (apolipoprotein B; minus strand). Cytogenetic location: 2p24.1.
Variant type: single nucleotide variant.
Coding change: c.501C>T on transcript NM_000384.3 (MANE Select); coding-DNA position 501, C replaced by T.
Protein change: p.Pro167=; no amino-acid change (proline 167 retained).
Molecular consequence: synonymous variant.
Genome position (GRCh38, 1-based): chr2:21,037,994, G>A on the plus strand (C>T on the coding strand, the complement: APOB is on the minus strand). VCF-style: chr2-21037994-G-A. GRCh37 (hg19) VCF-style: chr2-21260866-G-A.
Identifiers: ClinVar variation 4826817 (VCV004826817.3), dbSNP rs1558576038.